The following is an entry in ClinVar:

NM_002206.3(ITGA7):c.3027G>C (p.Lys1009Asn)

Gene: ITGA7 (integrin subunit alpha 7; minus strand). Cytogenetic location: 12q13.2.
Variant type: single nucleotide variant.
Coding change: c.3027G>C on transcript NM_002206.3 (MANE Select); coding-DNA position 3027, G replaced by C.
Protein change: p.Lys1009Asn; replaces lysine 1009 with asparagine.
Molecular consequence: missense variant.
Genome position (GRCh38, 1-based): chr12:55,688,232, C>G on the plus strand (G>C on the coding strand, the complement: ITGA7 is on the minus strand). VCF-style: chr12-55688232-C-G. GRCh37 (hg19) VCF-style: chr12-56082016-C-G.
Other names: c.2802G>C, p.Lys934Asn (NM_001414034.1); c.2688G>C, p.Lys896Asn (NM_001414035.1); c.3039G>C, p.Lys1013Asn (NM_001144996.2); c.2748G>C, p.Lys916Asn (NM_001144997.2); c.2700G>C, p.Lys900Asn (NM_001367993.1); c.1683G>C, p.Lys561Asn (NM_001367994.1); c.3009G>C, p.Lys1003Asn (NM_001374465.1); c.3159G>C, p.Lys1053Asn (NM_001410977.1); and 5 more; short protein forms K900N, K916N, K934N, K948N, K1003N, K1007N, K1053N, K980N.
Identifiers: ClinVar variation 2151120 (VCV002151120.3), dbSNP rs754702806, ClinGen allele CA237560678.

ClinVar aggregate classification (germline): Uncertain significance (1 of 4 stars; one submission).

Conditions:
Congenital muscular dystrophy due to integrin alpha-7 deficiency. Also called: MYOPATHY, CONGENITAL, DUE TO INTEGRIN ALPHA-7 DEFICIENCY; Congenital muscular dystrophy with integrin alpha-7 deficiency; Muscular dystrophy, congenital, due to ITGA7 deficiency. Identifiers: Orphanet 34520, MedGen C2750786, MONDO:0013177, OMIM 613204.

Allele frequency attached by ClinVar (database versions not stated): TOPMed below 0.00001.
gnomAD v4.1: 2 of 1,614,158 alleles (0.00012%); highest among the groups gnomAD compares: Admixed American, 0.0033%; no homozygotes.

Submission:

Labcorp Genetics (formerly Invitae), Labcorp
Classification: Uncertain significance for Congenital muscular dystrophy due to integrin alpha-7 deficiency. Last evaluated: 2022-11-08. Review status: criteria provided, single submitter. Criteria: Invitae Variant Classification Sherloc (09022015). Collection method: clinical testing. Allele origin: germline.
Comment: This sequence change replaces lysine, which is basic and polar, with asparagine, which is neutral and polar, at codon 1009 of the ITGA7 protein (p.Lys1009Asn). This variant is not present in population databases (gnomAD no frequency). In summary, the available evidence is currently insufficient to determine the role of this variant in disease. Therefore, it has been classified as a Variant of Uncertain Significance. Advanced modeling of protein sequence and biophysical properties (such as structural, functional, and spatial information, amino acid conservation, physicochemical variation, residue mobility, and thermodynamic stability) performed at Invitae indicates that this missense variant is not expected to disrupt ITGA7 protein function. This variant has not been reported in the literature in individuals affected with ITGA7-related conditions.